The following is an entry in ClinVar:

ClinVar aggregate classification (germline): Uncertain significance (1 of 4 stars; one submission).

Conditions:
Charcot-Marie-Tooth disease type 2R. Also called: CHARCOT-MARIE-TOOTH DISEASE, AXONAL, AUTOSOMAL RECESSIVE, TYPE 2R; Charcot-Marie-Tooth disease, axonal, type 2R; CHARCOT-MARIE-TOOTH NEUROPATHY, TYPE 2R. Identifiers: Orphanet 397968, MedGen C3809655, MONDO:0014208, OMIM 615490.

gnomAD v4.1: 2 of 1,606,708 alleles (0.00012%); highest among the groups gnomAD compares: Non-Finnish European, 0.00017%; no homozygotes.

Submission:

Labcorp Genetics (formerly Invitae), Labcorp
Classification: Uncertain significance for Charcot-Marie-Tooth disease type 2R. Last evaluated: 2022-10-05. Review status: criteria provided, single submitter. Criteria: Invitae Variant Classification Sherloc (09022015). Collection method: clinical testing. Allele origin: germline.
Comment: In summary, the available evidence is currently insufficient to determine the role of this variant in disease. Therefore, it has been classified as a Variant of Uncertain Significance. Algorithms developed to predict the effect of sequence changes on RNA splicing suggest that this variant may create or strengthen a splice site. Algorithms developed to predict the effect of missense changes on protein structure and function are either unavailable or do not agree on the potential impact of this missense change (SIFT: "Deleterious"; PolyPhen-2: "Benign"; Align-GVGD: "Class C0"). ClinVar contains an entry for this variant (Variation ID: 1494239). This variant has not been reported in the literature in individuals affected with TRIM2-related conditions. This variant is not present in population databases (gnomAD no frequency). This sequence change replaces isoleucine, which is neutral and non-polar, with valine, which is neutral and non-polar, at codon 547 of the TRIM2 protein (p.Ile547Val).

NM_015271.5(TRIM2):c.1720A>G (p.Ile574Val)

Gene: TRIM2 (tripartite motif containing 2; plus strand). Cytogenetic location: 4q31.3.
Variant type: single nucleotide variant.
Coding change: c.1720A>G on transcript NM_015271.5 (MANE Select); coding-DNA position 1720, A replaced by G.
Protein change: p.Ile574Val; replaces isoleucine 574 with valine.
Molecular consequence: missense variant.
Genome position (GRCh38, 1-based): chr4:153,315,937, A>G. VCF-style: chr4-153315937-A-G. GRCh37 (hg19) VCF-style: chr4-154237089-A-G.
Other names: c.1639A>G, p.Ile547Val (NM_001130067.2, NM_001351056.2, NM_001375512.1 and 5 more transcripts); c.1693A>G, p.Ile565Val (NM_001351054.2); c.1690A>G, p.Ile564Val (NM_001351055.2); c.1264A>G, p.Ile422Val (NM_001351057.2); c.1813A>G, p.Ile605Val (NM_001375488.1); c.1810A>G, p.Ile604Val (NM_001375489.1); c.1663A>G, p.Ile555Val (NM_001375490.1); c.1660A>G, p.Ile554Val (NM_001375491.1); and 3 more; short protein forms I565V, I574V, I422V, I461V, I463V, I564V, I605V, I547V.
Identifiers: ClinVar variation 1494239 (VCV001494239.6), dbSNP rs2149528266, ClinGen allele CA358468162.